The following is an entry in ClinVar:

ClinVar aggregate classification (germline): Likely benign. Review status: criteria provided, multiple submitters, no conflicts (2 of 4 stars). 2 submissions from 2 submitters: Likely benign (2). Last evaluated 2025-08-01.

Conditions:
Inborn genetic diseases. Identifiers: MedGen C0950123, MeSH D030342.

Allele frequency attached by ClinVar (database versions not stated): TOPMed 0.00002; ExAC 0.00003; gnomAD 0.00003.
gnomAD v4.1: 75 of 1,610,388 alleles (0.0047%); highest among the groups gnomAD compares: Non-Finnish European, 0.0059%; 1 homozygote.

Submissions (2):

CeGaT Center for Human Genetics Tuebingen
Classification: Likely benign. Last evaluated: 2025-08-01. Review status: criteria provided, single submitter. Criteria: CeGaT Center For Human Genetics Tuebingen Variant Classification Criteria Version 2. Collection method: clinical testing. Allele origin: germline. Affected: yes. Observed: 1 variant allele.
Comment: SYNCRIP: BS2

Ambry Genetics
Classification: Likely benign for Inborn genetic diseases. Last evaluated: 2023-05-24. Review status: criteria provided, single submitter. Criteria: Ambry Variant Classification Scheme 2023. Collection method: clinical testing. Allele origin: germline.

NM_006372.5(SYNCRIP):c.1835A>T (p.Glu612Val)

Gene: SYNCRIP (synaptotagmin binding cytoplasmic RNA interacting protein; minus strand). Cytogenetic location: 6q14.3.
Variant type: single nucleotide variant.
Coding change: c.1835A>T on transcript NM_006372.5 (MANE Select); coding-DNA position 1835, A replaced by T.
Protein change: p.Glu612Val; replaces glutamic acid 612 with valine.
Molecular consequence: missense variant. On other transcripts: intron variant (10).
Genome position (GRCh38, 1-based): chr6:85,614,793, T>A on the plus strand (A>T on the coding strand, the complement: SYNCRIP is on the minus strand). VCF-style: chr6-85614793-T-A. GRCh37 (hg19) VCF-style: chr6-86324511-T-A.
Other names: c.1730A>T, p.Glu577Val (NM_001159675.2); c.1541A>T, p.Glu514Val (NM_001410938.1); c.1647+188A>T (NM_001439160.1, NM_001159676.2, NM_001159677.2); c.1789+46A>T (NM_001439161.1, NM_001439162.1, NM_001439158.1); c.1191+188A>T (NM_001253771.2); c.1353+188A>T (NM_001159673.2); c.1495+46A>T (NM_001439159.1); c.1542+188A>T (NM_001159674.2); short protein forms E577V, E612V, E514V.
Identifiers: ClinVar variation 2510643 (VCV002510643.10), dbSNP rs760714882, ClinGen allele CA3912612.